The following is an entry in ClinVar:

ClinVar aggregate classification (germline): Uncertain significance (1 of 4 stars; one submission).

Submission:

Labcorp Genetics (formerly Invitae), Labcorp
Classification: Uncertain significance. Last evaluated: 2021-02-01. Review status: criteria provided, single submitter. Criteria: Invitae Variant Classification Sherloc (09022015). Collection method: clinical testing. Allele origin: germline.
Comment: This sequence change replaces serine with cysteine at codon 741 of the MSH3 protein (p.Ser741Cys). The serine residue is moderately conserved and there is a moderate physicochemical difference between serine and cysteine. In summary, the available evidence is currently insufficient to determine the role of this variant in disease. Therefore, it has been classified as a Variant of Uncertain Significance. Algorithms developed to predict the effect of missense changes on protein structure and function (SIFT, PolyPhen-2, Align-GVGD) all suggest that this variant is likely to be tolerated, but these predictions have not been confirmed by published functional studies and their clinical significance is uncertain. This variant has not been reported in the literature in individuals with MSH3-related conditions. This variant is not present in population databases (ExAC no frequency).

NM_002439.5(MSH3):c.2222C>G (p.Ser741Cys)

Gene: MSH3 (mutS homolog 3; plus strand). Cytogenetic location: 5q14.1.
Variant type: single nucleotide variant.
Coding change: c.2222C>G on transcript NM_002439.5 (MANE Select); coding-DNA position 2222, C replaced by G.
Protein change: p.Ser741Cys; replaces serine 741 with cysteine.
Molecular consequence: missense variant.
Genome position (GRCh38, 1-based): chr5:80,768,972, C>G. VCF-style: chr5-80768972-C-G. GRCh37 (hg19) VCF-style: chr5-80064791-C-G.
Other names: short protein forms S741C.
Identifiers: ClinVar variation 1506333 (VCV001506333.8), dbSNP rs2112885278, ClinGen allele CA360279705.
Genomic context (GRCh38, chr5:80,768,972, plus strand): 5'-GTGTTATTGACGAGATCCGAATGCATTTGCAAGAAATACGAAAAATACTAAAAAATCCTT[C>G]TGCACAATATGTGACAGTATCAGGACAGGAGGTAATGTCAAGCTTACTTTTATTTTCTAT-3'
Protein context (NP_002430.3, residues 731-751): QEIRKILKNP[Ser741Cys]AQYVTVSGQE